The following is an entry in ClinVar:

ClinVar aggregate classification (germline): Uncertain significance. Review status: criteria provided, multiple submitters, no conflicts (2 of 4 stars). 2 submissions from 2 submitters: Uncertain significance (2). Last evaluated 2022-06-30.

Conditions:
Inborn genetic diseases. Identifiers: MedGen C0950123, MeSH D030342.

Allele frequency attached by ClinVar (database versions not stated): gnomAD 0.00003; ExAC 0.00016.

Submissions (2):

GeneDx
Classification: Uncertain significance. Last evaluated: 2022-06-30. Review status: criteria provided, single submitter. Criteria: GeneDx Variant Classification Process June 2021. Collection method: clinical testing. Allele origin: germline. Affected: yes.
Comment: In silico analysis supports that this missense variant does not alter protein structure/function; Has not been previously published as pathogenic or benign to our knowledge

Ambry Genetics
Classification: Uncertain significance for Inborn genetic diseases. Last evaluated: 2021-07-13. Review status: criteria provided, single submitter. Criteria: Ambry Variant Classification Scheme 2023. Collection method: clinical testing. Allele origin: germline.

NM_004667.6(HERC2):c.7366G>A (p.Val2456Ile)

Gene: HERC2 (HECT and RLD domain containing E3 ubiquitin protein ligase 2; minus strand). Cytogenetic location: 15q13.1.
Variant type: single nucleotide variant.
Coding change: c.7366G>A on transcript NM_004667.6 (MANE Select); coding-DNA position 7366, G replaced by A.
Protein change: p.Val2456Ile; replaces valine 2456 with isoleucine.
Molecular consequence: missense variant.
Genome position (GRCh38, 1-based): chr15:28,202,461, C>T on the plus strand (G>A on the coding strand, the complement: HERC2 is on the minus strand). VCF-style: chr15-28202461-C-T. GRCh37 (hg19) VCF-style: chr15-28447607-C-T.
Other names: c.7366G>A (NM_004667.4); short protein forms V2456I.
Identifiers: ClinVar variation 1809895 (VCV001809895.4), dbSNP rs780167017, ClinGen allele CA7441840.